The following is an entry in ClinVar:

NM_170606.3(KMT2C):c.9987G>A (p.Met3329Ile)

Gene: KMT2C (lysine methyltransferase 2C; minus strand). Cytogenetic location: 7q36.1.
Variant type: single nucleotide variant.
Coding change: c.9987G>A on transcript NM_170606.3 (MANE Select); coding-DNA position 9987, G replaced by A.
Protein change: p.Met3329Ile; replaces methionine 3329 with isoleucine.
Molecular consequence: missense variant.
Genome position (GRCh38, 1-based): chr7:152,163,590, C>T on the plus strand (G>A on the coding strand, the complement: KMT2C is on the minus strand). VCF-style: chr7-152163590-C-T. GRCh37 (hg19) VCF-style: chr7-151860675-C-T.
Other names: c.9987G>A (NM_170606.2); short protein forms M3329I.
Identifiers: ClinVar variation 2917227 (VCV002917227.5), dbSNP rs200804156, ClinGen allele CA4579370.

ClinVar aggregate classification (germline): Likely benign. Review status: criteria provided, single submitter (1 of 4 stars). 2 submissions from 2 submitters: Likely benign (1). 1 of the submissions does not count toward it. Last evaluated 2025-07-17.

Conditions:
KMT2C-related disorder. Also called: KMT2C-related disorders; KMT2C-related condition.

Allele frequency attached by ClinVar (database versions not stated): TOPMed 0.00005; gnomAD 0.00008; 1000 Genomes Project 30x 0.00047; ExAC 0.00004; ESP Exome Variant Server 0.00008; 1000 Genomes Project 0.00040.
gnomAD v4.1: 82 of 1,604,212 alleles (0.0051%); highest among the groups gnomAD compares: Middle Eastern, 0.033%; no homozygotes.

Submissions (2):

Labcorp Genetics (formerly Invitae), Labcorp
Classification: Likely benign. Last evaluated: 2025-07-17. Review status: criteria provided, single submitter. Criteria: Invitae Variant Classification Sherloc (09022015). Collection method: clinical testing. Allele origin: germline.

PreventionGenetics, part of Exact Sciences
Classification: Likely benign for KMT2C-related condition. Last evaluated: 2024-01-27. Review status: no assertion criteria provided. Collection method: clinical testing. Allele origin: germline. Not counted in ClinVar's aggregate classification.
Comment: This variant is classified as likely benign based on ACMG/AMP sequence variant interpretation guidelines (Richards et al. 2015 PMID: 25741868, with internal and published modifications).